The following is an entry in ClinVar:

ClinVar aggregate classification (germline): Uncertain significance (1 of 4 stars; one submission).

Submission:

Labcorp Genetics (formerly Invitae), Labcorp
Classification: Uncertain significance. Last evaluated: 2025-09-23. Review status: criteria provided, single submitter. Criteria: Invitae Variant Classification Sherloc (09022015). Collection method: clinical testing. Allele origin: germline.
Comment: This sequence change creates a premature translational stop signal (p.Tyr180*) in the KLF10 gene. It is expected to result in an absent or disrupted protein product. However, the current clinical and genetic evidence is not sufficient to establish whether loss-of-function variants in KLF10 cause disease. Information on the frequency of this variant in the gnomAD database is not available, as this variant may be reported differently in the database. This variant has not been reported in the literature in individuals affected with KLF10-related conditions. In summary, the available evidence is currently insufficient to determine the role of this variant in disease. Therefore, it has been classified as a Variant of Uncertain Significance.

NM_005655.4(KLF10):c.540_541delinsAT (p.Tyr180_Gln181delinsTer)

Gene: KLF10 (KLF transcription factor 10; minus strand). Cytogenetic location: 8q22.3.
Variant type: Indel.
Coding change: c.540_541delinsAT on transcript NM_005655.4 (MANE Select); coding-DNA positions 540 to 541, TC replaced by AT.
Protein change: p.Tyr180_Gln181delinsTer.
Molecular consequence: nonsense.
Genome position (GRCh38, 1-based): chr8:102,651,791-102,651,792, GA replaced by AT on the plus strand (TC replaced by AT on the coding strand, the reverse complement: KLF10 is on the minus strand). VCF-style: chr8-102651791-GA-AT. GRCh37 (hg19) VCF-style: chr8-103664019-GA-AT.
Other names: c.507_508delinsAT, p.Tyr169_Gln170delinsTer (NM_001032282.4).
Identifiers: ClinVar variation 4727744 (VCV004727744.1).
Genomic context (GRCh38, chr8:102,651,791, plus strand): 5'-GTATGTTCTTTCTTGCAGCCTCAACATTTAGGTGGGTTCTTCTTCTAAAAGAATTGTTCT[GA>AT]TAGTTGAGGATGCTGGCTGCTTTCATTGGGCAGGTCTGGTGGTTACATAGCTGGGCATCA-3'